The following is an entry in ClinVar:

ClinVar aggregate classification (germline): Uncertain significance (1 of 4 stars; one submission).

Submission:

GeneDx
Classification: Uncertain significance. Last evaluated: 2024-05-09. Review status: criteria provided, single submitter. Criteria: GeneDx Variant Classification Process June 2021. Collection method: clinical testing. Allele origin: germline. Affected: yes.
Comment: Not observed at significant frequency in large population cohorts (gnomAD); In silico analysis supports that this missense variant has a deleterious effect on protein structure/function; Has not been previously published as pathogenic or benign to our knowledge

NM_001367721.1(CASK):c.217C>T (p.His73Tyr)

Gene: CASK (calcium/calmodulin dependent serine protein kinase; minus strand). Cytogenetic location: Xp11.4.
Variant type: single nucleotide variant.
Coding change: c.217C>T on transcript NM_001367721.1 (MANE Select); coding-DNA position 217, C replaced by T.
Protein change: p.His73Tyr; replaces histidine 73 with tyrosine.
Molecular consequence: missense variant.
Genome position (GRCh38, 1-based): chrX:41,787,239, G>A on the plus strand (C>T on the coding strand, the complement: CASK is on the minus strand). VCF-style: chrX-41787239-G-A. GRCh37 (hg19) VCF-style: chrX-41646492-G-A.
Other names: c.217C>T, p.His73Tyr (NM_001126054.3, NM_001126055.3, NM_001410745.1 and 1 more transcripts); short protein forms H73Y.
Identifiers: ClinVar variation 3376065 (VCV003376065.1).